The following is an entry in ClinVar:

ClinVar aggregate classification (germline): Uncertain significance. Review status: criteria provided, multiple submitters, no conflicts (2 of 4 stars). 3 submissions from 3 submitters: Uncertain significance (3). Last evaluated 2025-12-22.

Conditions:
Noonan syndrome 8 (NS8). Identifiers: Orphanet 648, MedGen C3809233, MONDO:0014143, OMIM 615355.
Cardiovascular phenotype. Identifiers: MedGen CN230736.

Allele frequency attached by ClinVar (database versions not stated): gnomAD 0.00001; gnomAD exomes 0.00001; TOPMed 0.00003.

Submissions (3):

Labcorp Genetics (formerly Invitae), Labcorp
Classification: Uncertain significance for Noonan syndrome 8. Last evaluated: 2025-12-22. Review status: criteria provided, single submitter. Criteria: Invitae Variant Classification Sherloc (09022015). Collection method: clinical testing. Allele origin: germline.
Comment: This sequence change replaces valine, which is neutral and non-polar, with isoleucine, which is neutral and non-polar, at codon 179 of the RIT1 protein (p.Val179Ile). This variant is present in population databases (no rsID available, gnomAD 0.004%). This missense change has been observed in individual(s) with unexplained cardiac arrest (PMID: 35352813). ClinVar contains an entry for this variant (Variation ID: 1747060). Invitae Evidence Modeling of protein sequence and biophysical properties (such as structural, functional, and spatial information, amino acid conservation, physicochemical variation, residue mobility, and thermodynamic stability) indicates that this missense variant is not expected to disrupt RIT1 protein function with a negative predictive value of 95%. In summary, the available evidence is currently insufficient to determine the role of this variant in disease. Therefore, it has been classified as a Variant of Uncertain Significance.

Ambry Genetics
Classification: Uncertain significance for Cardiovascular phenotype. Last evaluated: 2023-06-26. Review status: criteria provided, single submitter. Criteria: Ambry Variant Classification Scheme 2023. Collection method: clinical testing. Allele origin: germline.
Comment: The p.V179I variant (also known as c.535G>A), located in coding exon 5 of the RIT1 gene, results from a G to A substitution at nucleotide position 535. The valine at codon 179 is replaced by isoleucine, an amino acid with highly similar properties. This amino acid position is highly conserved in available vertebrate species. In addition, the in silico prediction for this alteration is inconclusive. Since supporting evidence is limited at this time, the clinical significance of this alteration remains unclear.

Genome-Nilou Lab
Classification: Uncertain significance for Noonan syndrome 8. Last evaluated: 2023-04-11. Review status: criteria provided, single submitter. Criteria: ACMG Guidelines, 2015. Collection method: clinical testing. Allele origin: germline. Affected: no.

Literature cited by the submitters: PubMed 35352813 (cited by Labcorp Genetics (formerly Invitae), Labcorp).

NM_006912.6(RIT1):c.535G>A (p.Val179Ile)

Gene: RIT1 (Ras like without CAAX 1; minus strand). Cytogenetic location: 1q22.
Variant type: single nucleotide variant.
Coding change: c.535G>A on transcript NM_006912.6 (MANE Select); coding-DNA position 535, G replaced by A.
Protein change: p.Val179Ile; replaces valine 179 with isoleucine.
Molecular consequence: missense variant.
Genome position (GRCh38, 1-based): chr1:155,900,513, C>T on the plus strand (G>A on the coding strand, the complement: RIT1 is on the minus strand). VCF-style: chr1-155900513-C-T. GRCh37 (hg19) VCF-style: chr1-155870304-C-T.
Other names: c.427G>A, p.Val143Ile (NM_001256820.2); c.586G>A, p.Val196Ile (NM_001256821.2); short protein forms V143I, V179I, V196I.
Identifiers: ClinVar variation 1747060 (VCV001747060.8), dbSNP rs1236865086, ClinGen allele CA342801220.